The following is an entry in ClinVar:

NM_032806.6(POMGNT2):c.1353G>C (p.Lys451Asn)

Gene: POMGNT2 (protein O-linked mannose N-acetylglucosaminyltransferase 2 (beta 1,4-); minus strand). Cytogenetic location: 3p22.1.
Variant type: single nucleotide variant.
Coding change: c.1353G>C on transcript NM_032806.6 (MANE Select); coding-DNA position 1353, G replaced by C.
Protein change: p.Lys451Asn; replaces lysine 451 with asparagine.
Molecular consequence: missense variant.
Genome position (GRCh38, 1-based): chr3:43,080,079, C>G on the plus strand (G>C on the coding strand, the complement: POMGNT2 is on the minus strand). VCF-style: chr3-43080079-C-G. GRCh37 (hg19) VCF-style: chr3-43121571-C-G.
Other names: short protein forms K451N.
Identifiers: ClinVar variation 1916877 (VCV001916877.5), dbSNP rs2528894476, ClinGen allele CA352301313.

ClinVar aggregate classification (germline): Uncertain significance (1 of 4 stars; one submission).

Conditions:
Muscular dystrophy-dystroglycanopathy (congenital with brain and eye anomalies), type a, 8 (MDDGA8). Also called: WALKER-WARBURG SYNDROME OR MUSCLE-EYE-BRAIN DISEASE, GTDC2-RELATED. Identifiers: Orphanet 899, MedGen C3553813, MONDO:0013904, OMIM 614830.

Submission:

Labcorp Genetics (formerly Invitae), Labcorp
Classification: Uncertain significance for Muscular dystrophy-dystroglycanopathy (congenital with brain and eye anomalies), type a, 8. Last evaluated: 2022-07-26. Review status: criteria provided, single submitter. Criteria: Invitae Variant Classification Sherloc (09022015). Collection method: clinical testing. Allele origin: germline.
Comment: Algorithms developed to predict the effect of missense changes on protein structure and function (SIFT, PolyPhen-2, Align-GVGD) all suggest that this variant is likely to be tolerated. This variant has not been reported in the literature in individuals affected with POMGNT2-related conditions. This variant is not present in population databases (gnomAD no frequency). This sequence change replaces lysine, which is basic and polar, with asparagine, which is neutral and polar, at codon 451 of the POMGNT2 protein (p.Lys451Asn). In summary, the available evidence is currently insufficient to determine the role of this variant in disease. Therefore, it has been classified as a Variant of Uncertain Significance.